The following is an entry in ClinVar:

NM_013432.5(TONSL):c.713G>A (p.Arg238Gln)

Gene: TONSL (tonsoku like, DNA repair protein; minus strand). Cytogenetic location: 8q24.3.
Variant type: single nucleotide variant.
Coding change: c.713G>A on transcript NM_013432.5 (MANE Select); coding-DNA position 713, G replaced by A.
Protein change: p.Arg238Gln; replaces arginine 238 with glutamine.
Molecular consequence: missense variant.
Genome position (GRCh38, 1-based): chr8:144,442,278, C>T on the plus strand (G>A on the coding strand, the complement: TONSL is on the minus strand). VCF-style: chr8-144442278-C-T. GRCh37 (hg19) VCF-style: chr8-145667661-C-T.
Other names: c.713G>A (NM_013432.4); short protein forms R238Q.
Identifiers: ClinVar variation 2187263 (VCV002187263.3), dbSNP rs1456756168, ClinGen allele CA372676527.

ClinVar aggregate classification (germline): Uncertain significance. Review status: criteria provided, multiple submitters, no conflicts (2 of 4 stars). 2 submissions from 2 submitters: Uncertain significance (2). Last evaluated 2025-06-07.

Conditions:
Inborn genetic diseases. Identifiers: MedGen C0950123, MeSH D030342.

Allele frequency attached by ClinVar (database versions not stated): gnomAD 0.00004; gnomAD exomes 0.00005; TOPMed 0.00003.

Submissions (2):

Ambry Genetics
Classification: Uncertain significance for Inborn genetic diseases. Last evaluated: 2025-06-07. Review status: criteria provided, single submitter. Criteria: Ambry Variant Classification Scheme 2023. Collection method: clinical testing. Allele origin: germline.

Labcorp Genetics (formerly Invitae), Labcorp
Classification: Uncertain significance. Last evaluated: 2025-01-30. Review status: criteria provided, single submitter. Criteria: Invitae Variant Classification Sherloc (09022015). Collection method: clinical testing. Allele origin: germline.
Comment: This sequence change replaces arginine, which is basic and polar, with glutamine, which is neutral and polar, at codon 238 of the TONSL protein (p.Arg238Gln). This variant is present in population databases (no rsID available, gnomAD 0.003%). This variant has not been reported in the literature in individuals affected with TONSL-related conditions. ClinVar contains an entry for this variant (Variation ID: 2187263). Invitae Evidence Modeling of protein sequence and biophysical properties (such as structural, functional, and spatial information, amino acid conservation, physicochemical variation, residue mobility, and thermodynamic stability) indicates that this missense variant is not expected to disrupt TONSL protein function with a negative predictive value of 80%. In summary, the available evidence is currently insufficient to determine the role of this variant in disease. Therefore, it has been classified as a Variant of Uncertain Significance.